The following is an entry in ClinVar:

NM_016562.4(TLR7):c.2877C>T (p.Asp959=)

Gene: TLR7 (toll like receptor 7; plus strand). Cytogenetic location: Xp22.2.
Variant type: single nucleotide variant.
Coding change: c.2877C>T on transcript NM_016562.4 (MANE Select); coding-DNA position 2877, C replaced by T.
Protein change: p.Asp959=; no amino-acid change (aspartic acid 959 retained).
Molecular consequence: synonymous variant.
Genome position (GRCh38, 1-based): chrX:12,888,385, C>T. VCF-style: chrX-12888385-C-T. GRCh37 (hg19) VCF-style: chrX-12906504-C-T.
Identifiers: ClinVar variation 2414103 (VCV002414103.29), dbSNP rs200330128, ClinGen allele CA10350110.

ClinVar aggregate classification (germline): Likely benign. Review status: criteria provided, multiple submitters, no conflicts (2 of 4 stars). 2 submissions from 2 submitters: Likely benign (2). Last evaluated 2025-12-18.

Allele frequency attached by ClinVar (database versions not stated): gnomAD exomes 0.00004; ESP Exome Variant Server 0.00009; ExAC 0.00010; gnomAD 0.00012.

Submissions (2):

Labcorp Genetics (formerly Invitae), Labcorp
Classification: Likely benign. Last evaluated: 2025-12-18. Review status: criteria provided, single submitter. Criteria: Invitae Variant Classification Sherloc (09022015). Collection method: clinical testing. Allele origin: germline.

CeGaT Center for Human Genetics Tuebingen
Classification: Likely benign. Last evaluated: 2023-04-01. Review status: criteria provided, single submitter. Criteria: CeGaT Center For Human Genetics Tuebingen Variant Classification Criteria Version 2. Collection method: clinical testing. Allele origin: germline. Affected: yes. Observed: 1 variant allele.
Comment: TLR7: BP4, BP7, BS2